The following is an entry in ClinVar:

ClinVar aggregate classification (germline): Uncertain significance (1 of 4 stars; one submission).

Conditions:
FRAXE. Also called: Intellectual developmental disorder, X-linked 109; Fragile XE syndrome; FRAXE intellectual disability; Intellectual disability, X-linked, FRAXE type; FRAXE Syndrome. Identifiers: Orphanet 100973, MedGen C0751157, MONDO:0010659, OMIM 309548. Disease mechanism: loss of function.

Submission:

Myriad Genetics, Inc.
Classification: Uncertain significance for FRAXE. Last evaluated: 2025-10-24. Review status: criteria provided, single submitter. Criteria: Myriad Autosomal Dominant, Autosomal Recessive and X-Linked Classification Criteria (2023). Collection method: clinical testing. Allele origin: unknown.
Comment: NM_002025.3(AFF2):c.2485_2487delAAG(K829del) is an in-frame deletion classified as a variant of uncertain significance in the context of fragile XE syndrome. K829del has not been observed in cases with relevant disease. Relevant functional assessments of this variant are not available in the literature. K829del has been observed in referenced population frequency databases. In summary, there is insufficient evidence to classify NM_002025.3(AFF2):c.2485_2487delAAG(K829del) as pathogenic or benign. Please note: this variant was assessed in the context of healthy population screening.

NM_002025.4(AFF2):c.2485_2487del (p.Lys829del)

Gene: AFF2 (ALF transcription elongation factor 2; plus strand). Cytogenetic location: Xq28.
Variant type: Deletion.
Coding change: c.2485_2487del on transcript NM_002025.4 (MANE Select); coding-DNA positions 2485 to 2487, 3 bases deleted (AAG; older notation c.2485_2487delAAG).
Protein change: p.Lys829del; deletes lysine 829.
Molecular consequence: inframe deletion.
Genome position (GRCh38, 1-based): chrX:148,956,530-148,956,532, AAG deleted. VCF-style (leftmost placement, unchanged base first): chrX-148956529-CAAG-C. GRCh37 (hg19) VCF-style: chrX-148038059-CAAG-C.
Other names: c.2386_2388del, p.Lys796del (NM_001169122.2); c.2455_2457del, p.Lys819del (NM_001169123.2); c.2380_2382del, p.Lys794del (NM_001169124.2); c.2368_2370del, p.Lys790del (NM_001169125.2); c.1408_1410del, p.Lys470del (NM_001170628.1); short protein forms K470del, K790del, K794del, K829del, K796del, K819del.
Identifiers: ClinVar variation 5003989 (VCV005003989.1).